The following is an entry in ClinVar:

ClinVar aggregate classification (germline): Uncertain significance (1 of 4 stars; one submission).

Conditions:
Long QT syndrome (LQTS). Identifiers: MedGen C0023976, MeSH D008133, MONDO:0002442. Disease mechanism: loss of function. Inheritance: Various modes of inheritance.

gnomAD v4.1: 4 of 1,613,912 alleles (0.00025%); highest among the groups gnomAD compares: East Asian, 0.0022%; no homozygotes.

Submission:

Labcorp Genetics (formerly Invitae), Labcorp
Classification: Uncertain significance for Long QT syndrome. Last evaluated: 2025-10-01. Review status: criteria provided, single submitter. Criteria: Invitae Variant Classification Sherloc (09022015). Collection method: clinical testing. Allele origin: germline.
Comment: This sequence change replaces serine, which is neutral and polar, with tyrosine, which is neutral and polar, at codon 1321 of the CACNA1C protein (p.Ser1321Tyr). This variant is present in population databases (rs779278894, gnomAD 0.0009%). This variant has not been reported in the literature in individuals affected with CACNA1C-related conditions. ClinVar contains an entry for this variant (Variation ID: 3728740). Invitae Evidence Modeling of protein sequence and biophysical properties (such as structural, functional, and spatial information, amino acid conservation, physicochemical variation, residue mobility, and thermodynamic stability) has been performed for this missense variant. However, the output from this modeling did not meet the statistical confidence thresholds required to predict the impact of this variant on CACNA1C protein function. In summary, the available evidence is currently insufficient to determine the role of this variant in disease. Therefore, it has been classified as a Variant of Uncertain Significance.

NM_000719.7(CACNA1C):c.3962C>A (p.Ser1321Tyr)

Gene: CACNA1C (calcium voltage-gated channel subunit alpha1 C; plus strand). Cytogenetic location: 12p13.33.
Variant type: single nucleotide variant.
Coding change: c.3962C>A on transcript NM_000719.7 (MANE Select); coding-DNA position 3962, C replaced by A.
Protein change: p.Ser1321Tyr; replaces serine 1321 with tyrosine.
Molecular consequence: missense variant.
Genome position (GRCh38, 1-based): chr12:2,651,656, C>A. VCF-style: chr12-2651656-C-A. GRCh37 (hg19) VCF-style: chr12-2760822-C-A.
Other names: c.4106C>A, p.Ser1369Tyr (NM_001129827.2, NM_199460.4); c.4028C>A, p.Ser1343Tyr (NM_001129829.2); c.3962C>A, p.Ser1321Tyr (NM_001129830.3, NM_001129833.2, NM_001129834.2 and 7 more transcripts); c.4046C>A, p.Ser1349Tyr (NM_001129831.2); c.4022C>A, p.Ser1341Tyr (NM_001129832.2); c.4013C>A, p.Ser1338Tyr (NM_001129836.2); c.3929C>A, p.Ser1310Tyr (NM_001129837.2, NM_001129838.2, NM_001129846.2 and 1 more transcripts); c.3923C>A, p.Ser1308Tyr (NM_001129839.2); and 1 more; short protein forms S1308Y, S1318Y, S1338Y, S1369Y, S1310Y, S1321Y, S1349Y, S1343Y.
Identifiers: ClinVar variation 3728740 (VCV003728740.2).